The following is an entry in ClinVar:

NM_001353345.2(SETD1B):c.5484G>C (p.Lys1828Asn)

Gene: SETD1B (SET domain containing 1B, histone lysine methyltransferase; plus strand). Cytogenetic location: 12q24.31.
Variant type: single nucleotide variant.
Coding change: c.5484G>C on transcript NM_001353345.2 (MANE Select); coding-DNA position 5484, G replaced by C.
Protein change: p.Lys1828Asn; replaces lysine 1828 with asparagine.
Molecular consequence: missense variant.
Genome position (GRCh38, 1-based): chr12:121,827,749, G>C. VCF-style: chr12-121827749-G-C. GRCh37 (hg19) VCF-style: chr12-122265655-G-C.
Other names: short protein forms K1828N.
Identifiers: ClinVar variation 2576729 (VCV002576729.2), dbSNP rs2500252422, ClinGen allele CA387004695.

ClinVar aggregate classification (germline): Uncertain significance. Review status: criteria provided, multiple submitters, no conflicts (2 of 4 stars). 2 submissions from 2 submitters: Uncertain significance (2). Last evaluated 2023-02-21.

Submissions (2):

GeneDx
Classification: Uncertain significance. Last evaluated: 2023-02-21. Review status: criteria provided, single submitter. Criteria: GeneDx Variant Classification Process June 2021. Collection method: clinical testing. Allele origin: germline. Affected: yes.
Comment: Not observed at significant frequency in large population cohorts (gnomAD); In silico analysis supports that this missense variant has a deleterious effect on protein structure/function; Has not been previously published as pathogenic or benign to our knowledge

Blueprint Genetics
Classification: Uncertain significance. Last evaluated: 2022-09-07. Review status: criteria provided, single submitter. Criteria: ACMG Guidelines, 2015. Collection method: clinical testing. Allele origin: germline.